The following is an entry in ClinVar:

NM_005529.7(HSPG2):c.12682G>A (p.Glu4228Lys)

Genes: HSPG2 (heparan sulfate proteoglycan 2; minus strand), LDLRAD2 (low density lipoprotein receptor class A domain containing 2; plus strand). Cytogenetic location: 1p36.12.
Variant type: single nucleotide variant.
Coding change: c.12682G>A on transcript NM_005529.7 (MANE Select); coding-DNA position 12682, G replaced by A.
Protein change: p.Glu4228Lys; replaces glutamic acid 4228 with lysine.
Molecular consequence: missense variant. On other transcripts: 3 prime UTR variant (1).
Genome position (GRCh38, 1-based): chr1:21,824,599, C>T on the plus strand (G>A on the coding strand, the complement: HSPG2 is on the minus strand). VCF-style: chr1-21824599-C-T. GRCh37 (hg19) VCF-style: chr1-22151092-C-T.
Other names: c.12685G>A, p.Glu4229Lys (NM_001291860.2); c.*2384C>T (NM_001013693.3); c.12682G>A (NM_005529.5); short protein forms E4228K, E4229K.
Identifiers: ClinVar variation 1256143 (VCV001256143.5), dbSNP rs138672955, ClinGen allele CA669322.
Genomic context (GRCh38, chr1:21,824,599, plus strand): 5'-CACCCTGCCAGAGCAGGAGGCCACTGGCTGTGCTGGTCCGAACCTCCAGCTCGATGGTCT[C>T]GGGCACCTCGGGCAGGCTGCGGAGGAAGAGCGGGTGAGGGGACAGAAGTCCCAGATTCCC-3'
Protein context (NP_005520.4, residues 4218-4238): VFSRSLPEVP[Glu4228Lys]TIELEVRTST

ClinVar aggregate classification (germline): Uncertain significance. Review status: criteria provided, multiple submitters, no conflicts (2 of 4 stars). 3 submissions from 3 submitters: Uncertain significance (3). Last evaluated 2025-01-06.

Conditions:
Inborn genetic diseases. Identifiers: MedGen C0950123, MeSH D030342.

Allele frequency attached by ClinVar (database versions not stated): gnomAD exomes 0.00001 and 0.00002; ExAC 0.00002; gnomAD 0.00002; TOPMed 0.00002; ESP Exome Variant Server 0.00008.
gnomAD v4.1: 22 of 1,613,904 alleles (0.0014%); highest among the groups gnomAD compares: Non-Finnish European, 0.0018%; no homozygotes.

Submissions (3):

Labcorp Genetics (formerly Invitae), Labcorp
Classification: Uncertain significance. Last evaluated: 2025-01-06. Review status: criteria provided, single submitter. Criteria: Invitae Variant Classification Sherloc (09022015). Collection method: clinical testing. Allele origin: germline.
Comment: This sequence change replaces glutamic acid, which is acidic and polar, with lysine, which is basic and polar, at codon 4228 of the HSPG2 protein (p.Glu4228Lys). This variant is present in population databases (rs138672955, gnomAD 0.005%). This variant has not been reported in the literature in individuals affected with HSPG2-related conditions. ClinVar contains an entry for this variant (Variation ID: 1256143). An algorithm developed to predict the effect of missense changes on protein structure and function (PolyPhen-2) suggests that this variant is likely to be disruptive. In summary, the available evidence is currently insufficient to determine the role of this variant in disease. Therefore, it has been classified as a Variant of Uncertain Significance.

Ambry Genetics
Classification: Uncertain significance for Inborn genetic diseases. Last evaluated: 2024-08-05. Review status: criteria provided, single submitter. Criteria: Ambry Variant Classification Scheme 2023. Collection method: clinical testing. Allele origin: germline.

Athena Diagnostics
Classification: Uncertain significance. Last evaluated: 2020-12-18. Review status: criteria provided, single submitter. Criteria: Athena Diagnostics criteria. Collection method: clinical testing. Allele origin: unknown.